The following is an entry in ClinVar:

ClinVar aggregate classification (germline): Uncertain significance (1 of 4 stars; one submission).

Submission:

Greenwood Genetic Center Diagnostic Laboratories, Greenwood Genetic Center
Classification: Uncertain significance. Last evaluated: 2025-10-06. Review status: criteria provided, single submitter. Criteria: ACMG Guidelines, 2015. Collection method: clinical testing. Allele origin: germline. Affected: yes.
Comment: Gene of Uncertain Significance

NM_017416.2(IL1RAPL2):c.1627A>T (p.Lys543Ter)

Gene: IL1RAPL2 (interleukin 1 receptor accessory protein like 2; plus strand). Cytogenetic location: Xq22.3.
Variant type: single nucleotide variant.
Coding change: c.1627A>T on transcript NM_017416.2 (MANE Select); coding-DNA position 1627, A replaced by T.
Protein change: p.Lys543Ter; replaces lysine 543 with a stop codon.
Molecular consequence: nonsense.
Genome position (GRCh38, 1-based): chrX:105,767,227, A>T. VCF-style: chrX-105767227-A-T. GRCh37 (hg19) VCF-style: chrX-105011220-A-T.
Other names: short protein forms K543*.
Identifiers: ClinVar variation 4845488 (VCV004845488.1).